The following is an entry in ClinVar:

NM_002184.4(IL6ST):c.2567T>C (p.Ile856Thr)

Gene: IL6ST (interleukin 6 cytokine family signal transducer; minus strand). Cytogenetic location: 5q11.2.
Variant type: single nucleotide variant.
Coding change: c.2567T>C on transcript NM_002184.4 (MANE Select); coding-DNA position 2567, T replaced by C.
Protein change: p.Ile856Thr; replaces isoleucine 856 with threonine.
Molecular consequence: missense variant. On other transcripts: 3 prime UTR variant (1), non-coding transcript variant (2).
Genome position (GRCh38, 1-based): chr5:55,941,272, A>G on the plus strand (T>C on the coding strand, the complement: IL6ST is on the minus strand). VCF-style: chr5-55941272-A-G. GRCh37 (hg19) VCF-style: chr5-55237100-A-G.
Other names: c.2384T>C, p.Ile795Thr (NM_001190981.2); c.2465T>C, p.Ile822Thr (NM_001364275.2); c.2357T>C, p.Ile786Thr (NM_001364276.2); c.1700T>C, p.Ile567Thr (NM_001364277.2); c.1664T>C, p.Ile555Thr (NM_001364278.2); c.1571T>C, p.Ile524Thr (NM_001364279.2); c.*1494T>C (NM_175767.3); short protein forms I555T, I524T, I795T, I856T, I567T, I786T, I822T.
Identifiers: ClinVar variation 2761130 (VCV002761130.3), dbSNP rs2533426498, ClinGen allele CA359777798.
Genomic context (GRCh38, chr5:55,941,272, plus strand): 5'-GCATCTGCTGCAGAAACTTCCTGAAACATTTTCATTTGCCCAGATCCACAGGATTGTGAA[A>G]TATGATCTGAAATCTGCTGTTTAAGTCTAACAAAATCTTCCTCATTGACTGATGAAACTT-3'
Protein context (NP_002175.2, residues 846-866): VRLKQQISDH[Ile856Thr]SQSCGSGQMK

ClinVar aggregate classification (germline): Uncertain significance (1 of 4 stars; one submission).

Allele frequency attached by ClinVar (database versions not stated): gnomAD exomes below 0.00001.
gnomAD v4.1: 1 of 1,614,164 alleles (0.000062%); highest among the groups gnomAD compares: Non-Finnish European, 0.000085%; no homozygotes.

Submission:

Labcorp Genetics (formerly Invitae), Labcorp
Classification: Uncertain significance. Last evaluated: 2023-09-17. Review status: criteria provided, single submitter. Criteria: Invitae Variant Classification Sherloc (09022015). Collection method: clinical testing. Allele origin: germline.
Comment: Algorithms developed to predict the effect of missense changes on protein structure and function output the following: SIFT: "Not Available"; PolyPhen-2: "Benign"; Align-GVGD: "Not Available". The threonine amino acid residue is found in multiple mammalian species, which suggests that this missense change does not adversely affect protein function. In summary, the available evidence is currently insufficient to determine the role of this variant in disease. Therefore, it has been classified as a Variant of Uncertain Significance. This variant has not been reported in the literature in individuals affected with IL6ST-related conditions. This variant is not present in population databases (gnomAD no frequency). This sequence change replaces isoleucine, which is neutral and non-polar, with threonine, which is neutral and polar, at codon 856 of the IL6ST protein (p.Ile856Thr).